The following is an entry in ClinVar:

NM_004736.4(XPR1):c.1112G>A (p.Arg371Gln)

Gene: XPR1 (xenotropic and polytropic retrovirus receptor 1; plus strand). Cytogenetic location: 1q25.3.
Variant type: single nucleotide variant.
Coding change: c.1112G>A on transcript NM_004736.4 (MANE Select); coding-DNA position 1112, G replaced by A.
Protein change: p.Arg371Gln; replaces arginine 371 with glutamine.
Molecular consequence: missense variant. On other transcripts: non-coding transcript variant (1).
Genome position (GRCh38, 1-based): chr1:180,825,322, G>A. VCF-style: chr1-180825322-G-A. GRCh37 (hg19) VCF-style: chr1-180794458-G-A.
Other names: c.1112G>A, p.Arg371Gln (NM_001135669.2, NM_001328662.2); short protein forms R371Q.
Identifiers: ClinVar variation 546268 (VCV000546268.2), dbSNP rs1325719211, ClinGen allele CA343840250.
Genomic context (GRCh38, chr1:180,825,322, plus strand): 5'-TTTATGGATTTATGGTTTTCTTCCTTATCAACCCCACCAAAACTTTCTACTATAAATCCC[G>A]GTTTTGGCTGCTTAAACTGCTGGTAAGTCCAGAAACTTGTGTACCACTTTTAGAGTGGCA-3'
Protein context (NP_004727.2, residues 361-381): NPTKTFYYKS[Arg371Gln]FWLLKLLFRV

ClinVar aggregate classification (germline): Uncertain significance (1 of 4 stars; one submission).

Allele frequency attached by ClinVar (database versions not stated): gnomAD exomes below 0.00001; TOPMed below 0.00001.

Submission:

GeneDx
Classification: Uncertain significance. Last evaluated: 2018-05-15. Review status: criteria provided, single submitter. Criteria: GeneDx Variant Classification (06012015). Collection method: clinical testing. Allele origin: germline. Affected: yes.
Comment: The R371Q variant has not been published as a pathogenic variant, nor has it been reported as a benign variant to our knowledge. The R371Q variant is not observed in large population cohorts (Lek et al., 2016). This variant is a semi-conservative amino acid substitution, which may impact secondary protein structure as these residues differ in some properties. In-silico analyses, including protein predictors and evolutionary conservation, support a deleterious effect.